The following is an entry in ClinVar:

NM_015346.4(ZFYVE26):c.5215C>T (p.Arg1739Ter)

Gene: ZFYVE26 (zinc finger FYVE-type containing 26; minus strand). Cytogenetic location: 14q24.1.
Variant type: single nucleotide variant.
Coding change: c.5215C>T on transcript NM_015346.4 (MANE Select); coding-DNA position 5215, C replaced by T.
Protein change: p.Arg1739Ter; replaces arginine 1739 with a stop codon.
Molecular consequence: nonsense.
Genome position (GRCh38, 1-based): chr14:67,775,866, G>A on the plus strand (C>T on the coding strand, the complement: ZFYVE26 is on the minus strand). VCF-style: chr14-67775866-G-A. GRCh37 (hg19) VCF-style: chr14-68242583-G-A.
Other names: short protein forms R1739*.
Identifiers: ClinVar variation 555771 (VCV000555771.5), dbSNP rs1214483973, ClinGen allele CA390168056.

ClinVar aggregate classification (germline): Pathogenic. Review status: criteria provided, single submitter (1 of 4 stars). 2 submissions from 2 submitters: Pathogenic (1). 1 of the submissions does not count toward it. Last evaluated 2023-12-13.

Conditions:
Hereditary spastic paraplegia 15 (SPG15). Also called: SPASTIC PARAPLEGIA 15, AUTOSOMAL RECESSIVE; KJELLIN SYNDROME; SPASTIC PARAPLEGIA AND RETINAL DEGENERATION. Identifiers: Orphanet 100996, MedGen C1849128, MONDO:0010044, OMIM 270700.
Spastic paraplegia. Identifiers: MedGen C0037772, HP:0001258.

Allele frequency attached by ClinVar (database versions not stated): gnomAD exomes below 0.00001; TOPMed 0.00001.
gnomAD v4.1: 3 of 1,614,154 alleles (0.00019%); highest among the groups gnomAD compares: Admixed American, 0.0017%; no homozygotes.

Submissions (2):

Labcorp Genetics (formerly Invitae), Labcorp
Classification: Pathogenic for Spastic paraplegia. Last evaluated: 2023-12-13. Review status: criteria provided, single submitter. Criteria: Invitae Variant Classification Sherloc (09022015). Collection method: clinical testing. Allele origin: germline.
Comment: This sequence change creates a premature translational stop signal (p.Arg1739*) in the ZFYVE26 gene. It is expected to result in an absent or disrupted protein product. Loss-of-function variants in ZFYVE26 are known to be pathogenic (PMID: 18394578, 19805727). This variant is present in population databases (no rsID available, gnomAD 0.003%). This premature translational stop signal has been observed in individual(s) with hereditary spastic paraplegia (PMID: 23733235). ClinVar contains an entry for this variant (Variation ID: 555771). For these reasons, this variant has been classified as Pathogenic.

Counsyl
Classification: Likely pathogenic for Hereditary spastic paraplegia 15. Last evaluated: 2017-12-28. Review status: no assertion criteria provided. Collection method: clinical testing. Allele origin: unknown. Not counted in ClinVar's aggregate classification.

Literature cited by the submitters: PubMed 18394578 (cited by Labcorp Genetics (formerly Invitae), Labcorp); PubMed 19805727 (cited by Labcorp Genetics (formerly Invitae), Labcorp); PubMed 23733235 (cited by Labcorp Genetics (formerly Invitae), Labcorp and Counsyl).